The following is an entry in ClinVar:

ClinVar aggregate classification (germline): Uncertain significance (1 of 4 stars; one submission).

Conditions:
Early-infantile DEE. Also called: Ohtahara syndrome; Early infantile epileptic encephalopathy with suppression bursts; Early infantile epileptic encephalopathy. Identifiers: Orphanet 1934, MedGen C0393706, MONDO:0800491.

Allele frequency attached by ClinVar (database versions not stated): ExAC below 0.00001; gnomAD exomes below 0.00001 and 0.00001; gnomAD 0.00001; TOPMed 0.00002.
gnomAD v4.1: 12 of 1,586,124 alleles (0.00076%); highest among the groups gnomAD compares: African/African-American, 0.0027%; no homozygotes.

Submission:

Labcorp Genetics (formerly Invitae), Labcorp
Classification: Uncertain significance for Early-infantile DEE. Last evaluated: 2022-08-19. Review status: criteria provided, single submitter. Criteria: Invitae Variant Classification Sherloc (09022015). Collection method: clinical testing. Allele origin: germline.
Comment: This sequence change falls in intron 21 of the CACNA2D2 gene. It does not directly change the encoded amino acid sequence of the CACNA2D2 protein. It affects a nucleotide within the consensus splice site. The frequency data for this variant in the population databases is considered unreliable, as metrics indicate poor data quality at this position in the gnomAD database. This variant has not been reported in the literature in individuals affected with CACNA2D2-related conditions. ClinVar contains an entry for this variant (Variation ID: 1011688). Variants that disrupt the consensus splice site are a relatively common cause of aberrant splicing (PMID: 17576681, 9536098). Algorithms developed to predict the effect of sequence changes on RNA splicing suggest that this variant is not likely to affect RNA splicing. In summary, the available evidence is currently insufficient to determine the role of this variant in disease. Therefore, it has been classified as a Variant of Uncertain Significance.

Literature cited by the submitters: PubMed 17576681; PubMed 9536098.

NM_006030.4(CACNA2D2):c.1908-3C>T

Gene: CACNA2D2 (calcium voltage-gated channel auxiliary subunit alpha2delta 2; minus strand). Cytogenetic location: 3p21.31.
Variant type: single nucleotide variant.
Coding change: c.1908-3C>T on transcript NM_006030.4 (MANE Select); 3 bases into the intron before coding-DNA position 1908, C replaced by T.
Molecular consequence: intron variant.
Genome position (GRCh38, 1-based): chr3:50,374,816, G>A on the plus strand (C>T on the coding strand, the complement: CACNA2D2 is on the minus strand). VCF-style: chr3-50374816-G-A. GRCh37 (hg19) VCF-style: chr3-50412247-G-A.
Other names: c.1701-3C>T (NM_001291101.1); c.1908-3C>T (NM_001005505.3, NM_001174051.3).
Identifiers: ClinVar variation 1011688 (VCV001011688.6), dbSNP rs756712440, ClinGen allele CA2418666.